The following is an entry in ClinVar:

ClinVar aggregate classification (germline): Uncertain significance. Review status: criteria provided, multiple submitters, no conflicts (2 of 4 stars). 2 submissions from 2 submitters: Uncertain significance (2). Last evaluated 2024-10-31.

Conditions:
Inborn genetic diseases. Identifiers: MedGen C0950123, MeSH D030342.

Allele frequency attached by ClinVar (database versions not stated): gnomAD 0.00001.
gnomAD v4.1: 19 of 1,551,672 alleles (0.0012%); highest among the groups gnomAD compares: African/African-American, 0.0027%; no homozygotes.

Submissions (2):

Labcorp Genetics (formerly Invitae), Labcorp
Classification: Uncertain significance. Last evaluated: 2024-10-31. Review status: criteria provided, single submitter. Criteria: Invitae Variant Classification Sherloc (09022015). Collection method: clinical testing. Allele origin: germline.
Comment: This sequence change replaces arginine, which is basic and polar, with histidine, which is basic and polar, at codon 2155 of the LOXHD1 protein (p.Arg2155His). This variant is present in population databases (no rsID available, gnomAD 0.01%). This variant has not been reported in the literature in individuals affected with LOXHD1-related conditions. ClinVar contains an entry for this variant (Variation ID: 2163265). An algorithm developed to predict the effect of missense changes on protein structure and function (PolyPhen-2) suggests that this variant¬†is likely to be tolerated. In summary, the available evidence is currently insufficient to determine the role of this variant in disease. Therefore, it has been classified as a Variant of Uncertain Significance.

Ambry Genetics
Classification: Uncertain significance for Inborn genetic diseases. Last evaluated: 2022-10-12. Review status: criteria provided, single submitter. Criteria: Ambry Variant Classification Scheme 2023. Collection method: clinical testing. Allele origin: germline.

NM_001384474.1(LOXHD1):c.6650G>A (p.Arg2217His)

Gene: LOXHD1 (lipoxygenase homology PLAT domains 1; minus strand). Cytogenetic location: 18q21.1.
Variant type: single nucleotide variant.
Coding change: c.6650G>A on transcript NM_001384474.1 (MANE Select); coding-DNA position 6650, G replaced by A.
Protein change: p.Arg2217His; replaces arginine 2217 with histidine.
Molecular consequence: missense variant. On other transcripts: intron variant (1).
Genome position (GRCh38, 1-based): chr18:46,477,644, C>T on the plus strand (G>A on the coding strand, the complement: LOXHD1 is on the minus strand). VCF-style: chr18-46477644-C-T. GRCh37 (hg19) VCF-style: chr18-44057607-C-T.
Other names: c.1367G>A, p.Arg456His (NM_001145473.3, NM_001173129.2); c.3029G>A, p.Arg1010His (NM_001308013.2); c.6464G>A, p.Arg2155His (NM_144612.7); c.3307+10G>A (NM_001145472.3); c.6464G>A (NM_144612.6); short protein forms R1010H, R2155H, R2217H, R456H.
Identifiers: ClinVar variation 2163265 (VCV002163265.4), dbSNP rs955408829, ClinGen allele CA299792260.